The following is an entry in ClinVar:

ClinVar aggregate classification (germline): Uncertain significance (1 of 4 stars; one submission).

gnomAD v4.1: 1 of 1,614,126 alleles (0.000062%); highest among the groups gnomAD compares: Non-Finnish European, 0.000085%; no homozygotes.

Submission:

GeneDx
Classification: Uncertain significance. Last evaluated: 2026-01-27. Review status: criteria provided, single submitter. Criteria: GeneDx Variant Classification Process June 2021. Collection method: clinical testing. Allele origin: germline.
Comment: Not observed at significant frequency in large population cohorts (gnomAD); In silico analysis supports that this missense variant has a deleterious effect on protein structure/function; Has not been previously published as pathogenic or benign to our knowledge

NM_001395159.1(UNC79):c.5048C>A (p.Ser1683Tyr)

Gene: UNC79 (unc-79 subunit of NALCN channel complex; plus strand). Cytogenetic location: 14q32.12.
Variant type: single nucleotide variant.
Coding change: c.5048C>A on transcript NM_001395159.1 (MANE Select); coding-DNA position 5048, C replaced by A.
Protein change: p.Ser1683Tyr; replaces serine 1683 with tyrosine.
Molecular consequence: missense variant.
Genome position (GRCh38, 1-based): chr14:93,622,065, C>A. VCF-style: chr14-93622065-C-A. GRCh37 (hg19) VCF-style: chr14-94088411-C-A.
Other names: c.4982C>A, p.Ser1661Tyr (NM_001346218.2); c.4301C>A, p.Ser1434Tyr (NM_020818.5); short protein forms S1434Y, S1661Y, S1683Y.
Identifiers: ClinVar variation 4975729 (VCV004975729.1).